The following is an entry in ClinVar:

NM_000071.3(CBS):c.650C>T (p.Ser217Phe)

Gene: CBS (cystathionine beta-synthase; minus strand). Cytogenetic location: 21q22.3.
Variant type: single nucleotide variant.
Coding change: c.650C>T on transcript NM_000071.3 (MANE Select); coding-DNA position 650, C replaced by T.
Protein change: p.Ser217Phe; replaces serine 217 with phenylalanine.
Molecular consequence: missense variant.
Genome position (GRCh38, 1-based): chr21:43,065,403, G>A on the plus strand (C>T on the coding strand, the complement: CBS is on the minus strand). VCF-style: chr21-43065403-G-A. GRCh37 (hg19) VCF-style: chr21-44485513-G-A.
Other names: c.650C>T, p.Ser217Phe (NM_001178008.3, NM_001178009.3, NM_001320298.2); c.335C>T, p.Ser112Phe (NM_001321072.1); short protein forms S217F, S112F.
Identifiers: ClinVar variation 557413 (VCV000557413.3), dbSNP rs1555874874, ClinGen allele CA410600786.
Genomic context (GRCh38, chr21:43,065,403, plus strand): 5'-GACCCTCCTAGGGAATGCCTGTCTCCAGGCCCCAGGTGCCTCACCTGGTCTAGGATGTGA[G>A]AATTGGGGATTTCGTTCTTCAGCCGCCAGGCCACCCCCACGTGTGACTCCGGGGAGTCGA-3'
Protein context (NP_000062.1, residues 207-227): AWRLKNEIPN[Ser217Phe]HILDQYRNAS

ClinVar aggregate classification (germline): Likely pathogenic. Review status: criteria provided, single submitter (1 of 4 stars). 2 submissions from 2 submitters: Likely pathogenic (1). 1 of the submissions does not count toward it. Last evaluated 2025-03-31.

Conditions:
Homocystinuria. Identifiers: MedGen C0019880, MONDO:0004737, HP:0002156.
Classic homocystinuria. Also called: Homocystinuria due to Cystathionine Beta-Synthase Deficiency; Homocystinuria due to CBS deficiency; Cystathionine beta-synthase deficiency; CBS deficiency; HOMOCYSTINURIA WITH OR WITHOUT RESPONSE TO PYRIDOXINE. Identifiers: Orphanet 394, MedGen C0751202, MONDO:0009352, OMIM 236200.

Submissions (2):

Women's Health and Genetics/Laboratory Corporation of America, LabCorp
Classification: Likely pathogenic for Homocystinuria. Last evaluated: 2025-03-31. Review status: criteria provided, single submitter. Criteria: LabCorp Variant Classification Summary - May 2015. Collection method: clinical testing. Allele origin: germline.
Comment: Variant summary: CBS c.650C>T (p.Ser217Phe) results in a non-conservative amino acid change in the encoded protein sequence. Five of five in-silico tools predict a damaging effect of the variant on protein function. The variant was absent in 250464 control chromosomes. c.650C>T has been reported in the literature in the compound heterozygous state in an individual affected with Homocystinuria (Katsushima_2006). At least one publication reports experimental evidence evaluating an impact on protein function. The most pronounced variant effect results in <5% activity versus the WT protein, reduced activation in response to S-Adenosylmethionine, and the absence of a correctly assembled tetramer detected by Western blot (Katsushima_2006). The following publication have been ascertained in the context of this evaluation (PMID: 16307898). ClinVar contains an entry for this variant (Variation ID: 557413). Based on the evidence outlined above, the variant was classified as likely pathogenic.

Counsyl
Classification: Uncertain significance for Classic homocystinuria. Last evaluated: 2018-03-30. Review status: no assertion criteria provided. Collection method: clinical testing. Allele origin: unknown. Not counted in ClinVar's aggregate classification.

Literature cited by the submitters: PubMed 16307898 (cited by Women's Health and Genetics/Laboratory Corporation of America, LabCorp and Counsyl).